The following is an entry in ClinVar:

NM_000532.5(PCCB):c.854C>T (p.Pro285Leu)

Gene: PCCB (propionyl-CoA carboxylase subunit beta; plus strand). Cytogenetic location: 3q22.3.
Variant type: single nucleotide variant.
Coding change: c.854C>T on transcript NM_000532.5 (MANE Select); coding-DNA position 854, C replaced by T.
Protein change: p.Pro285Leu; replaces proline 285 with leucine.
Molecular consequence: missense variant.
Genome position (GRCh38, 1-based): chr3:136,298,042, C>T. VCF-style: chr3-136298042-C-T. GRCh37 (hg19) VCF-style: chr3-136016884-C-T.
Other names: c.914C>T, p.Pro305Leu (NM_001178014.2); c.854C>T (NM_000532.4); short protein forms P285L, P305L.
Identifiers: ClinVar variation 2055819 (VCV002055819.2), dbSNP rs929742969, ClinGen allele CA83796603.

ClinVar aggregate classification (germline): Uncertain significance. Review status: criteria provided, multiple submitters, no conflicts (2 of 4 stars). 2 submissions from 2 submitters: Uncertain significance (2). Last evaluated 2025-12-09.

Conditions:
Inborn genetic diseases. Identifiers: MedGen C0950123, MeSH D030342.
Propionic acidemia (PROP). Also called: GLYCINEMIA, KETOTIC; HYPERGLYCINEMIA WITH KETOACIDOSIS AND LEUKOPENIA; KETOTIC HYPERGLYCINEMIA. Identifiers: Orphanet 35, MedGen C0268579, MONDO:0011628, OMIM 606054, HP:0003571.

Allele frequency attached by ClinVar (database versions not stated): gnomAD 0.00001; gnomAD exomes 0.00001; TOPMed 0.00001.
gnomAD v4.1: 12 of 1,614,002 alleles (0.00074%); highest among the groups gnomAD compares: Middle Eastern, 0.033%; no homozygotes.

Submissions (2):

Ambry Genetics
Classification: Uncertain significance for Inborn genetic diseases. Last evaluated: 2025-12-09. Review status: criteria provided, single submitter. Criteria: Ambry Variant Classification Scheme 2023. Collection method: clinical testing. Allele origin: germline.

Labcorp Genetics (formerly Invitae), Labcorp
Classification: Uncertain significance for Propionic acidemia. Last evaluated: 2022-04-22. Review status: criteria provided, single submitter. Criteria: Invitae Variant Classification Sherloc (09022015). Collection method: clinical testing. Allele origin: germline.
Comment: This sequence change replaces proline, which is neutral and non-polar, with leucine, which is neutral and non-polar, at codon 285 of the PCCB protein (p.Pro285Leu). This variant is present in population databases (no rsID available, gnomAD no frequency). This variant has not been reported in the literature in individuals affected with PCCB-related conditions. Advanced modeling of protein sequence and biophysical properties (such as structural, functional, and spatial information, amino acid conservation, physicochemical variation, residue mobility, and thermodynamic stability) performed at Invitae indicates that this missense variant is not expected to disrupt PCCB protein function. In summary, the available evidence is currently insufficient to determine the role of this variant in disease. Therefore, it has been classified as a Variant of Uncertain Significance.